The following is an entry in ClinVar:

ClinVar aggregate classification (germline): Pathogenic (1 of 4 stars; one submission).

Conditions:
Tuberous sclerosis 2 (TSC2). Identifiers: Orphanet 805, MedGen C1860707, MONDO:0013199, OMIM 613254.

Submission:

Labcorp Genetics (formerly Invitae), Labcorp
Classification: Pathogenic for Tuberous sclerosis 2. Last evaluated: 2024-06-22. Review status: criteria provided, single submitter. Criteria: Invitae Variant Classification Sherloc (09022015). Collection method: clinical testing. Allele origin: germline.
Comment: This sequence change creates a premature translational stop signal (p.His1718Glnfs*11) in the TSC2 gene. It is expected to result in an absent or disrupted protein product. Loss-of-function variants in TSC2 are known to be pathogenic (PMID: 10205261, 17304050). This variant is not present in population databases (gnomAD no frequency). This variant has not been reported in the literature in individuals affected with TSC2-related conditions. For these reasons, this variant has been classified as Pathogenic.

Literature cited by the submitters: PubMed 10205261; PubMed 17304050.

NM_000548.5(TSC2):c.5153dup (p.His1718fs)

Gene: TSC2 (TSC complex subunit 2; plus strand). Cytogenetic location: 16p13.3.
Variant type: Duplication.
Coding change: c.5153dup on transcript NM_000548.5 (MANE Select); coding-DNA position 5153, one base duplicated (A; older notation c.5153dupA).
Protein change: p.His1718fs; shifts the reading frame from histidine 1718.
Molecular consequence: frameshift variant. On other transcripts: non-coding transcript variant (5).
Genome position (GRCh38, 1-based): chr16:2,088,132, A duplicated. VCF-style (leftmost placement, unchanged base first): chr16-2088131-C-CA. GRCh37 (hg19) VCF-style: chr16-2138132-C-CA.
Other names: c.4952dup, p.His1651fs (NM_001077183.3); c.5084dup, p.His1695fs (NM_001114382.3); c.4844dup, p.His1615fs (NM_001318827.2); c.5042dup, p.His1681fs (NM_001406668.1); c.4973dup, p.His1658fs (NM_001406670.1); c.4943dup, p.His1648fs (NM_001406671.1); c.4940dup, p.His1647fs (NM_001406673.1); c.4937dup, p.His1646fs (NM_001406675.1); and 26 more; short protein forms H1117fs, H1203fs, H1226fs, H1495fs, H1498fs, H1518fs, H1615fs, H1645fs.
Identifiers: ClinVar variation 3657366 (VCV003657366.2).
Genomic context (GRCh38, chr16:2,088,131, plus strand): 5'-AGCGTGGCCAAGATCGTGTCTGACCGCAACCTGCCCTTCGTGGCCCGCCAGATGGCCCTG[C>CA]ACGCAAATGTGAGTGGGGGTGGGTCCAGGCGTGAGCTGGTGGGACAGGCCCAGGTGCCAC-3'